The following is an entry in ClinVar:

NM_022124.6(CDH23):c.8842A>G (p.Ile2948Val)

Gene: CDH23 (cadherin related 23; plus strand). Cytogenetic location: 10q22.1.
Variant type: single nucleotide variant.
Coding change: c.8842A>G on transcript NM_022124.6 (MANE Select); coding-DNA position 8842, A replaced by G.
Protein change: p.Ile2948Val; replaces isoleucine 2948 with valine.
Molecular consequence: missense variant.
Genome position (GRCh38, 1-based): chr10:71,809,939, A>G. VCF-style: chr10-71809939-A-G. GRCh37 (hg19) VCF-style: chr10-73569696-A-G.
Other names: c.2122A>G, p.Ile708Val (NM_001171933.1, NM_001171934.1); short protein forms I2948V, I708V.
Identifiers: ClinVar variation 2147759 (VCV002147759.2), dbSNP rs759811795, ClinGen allele CA5546767.

ClinVar aggregate classification (germline): Uncertain significance (1 of 4 stars; one submission).

Allele frequency attached by ClinVar (database versions not stated): ExAC 0.00001; gnomAD exomes 0.00001; gnomAD 0.00002; TOPMed 0.00002.
gnomAD v4.1: 8 of 1,612,718 alleles (0.0005%); highest among the groups gnomAD compares: Non-Finnish European, 0.00068%; no homozygotes.

Submission:

Labcorp Genetics (formerly Invitae), Labcorp
Classification: Uncertain significance. Last evaluated: 2022-08-22. Review status: criteria provided, single submitter. Criteria: Invitae Variant Classification Sherloc (09022015). Collection method: clinical testing. Allele origin: germline.
Comment: In summary, the available evidence is currently insufficient to determine the role of this variant in disease. Therefore, it has been classified as a Variant of Uncertain Significance. Algorithms developed to predict the effect of missense changes on protein structure and function are either unavailable or do not agree on the potential impact of this missense change (SIFT: "Deleterious"; PolyPhen-2: "Not Available"; Align-GVGD: "Class C0"). This variant has not been reported in the literature in individuals affected with CDH23-related conditions. This variant is present in population databases (rs759811795, gnomAD 0.002%). This sequence change replaces isoleucine, which is neutral and non-polar, with valine, which is neutral and non-polar, at codon 2948 of the CDH23 protein (p.Ile2948Val).